The following is an entry in ClinVar:

ClinVar aggregate classification (germline): Pathogenic (1 of 4 stars; one submission).

Conditions:
Exostoses, multiple, type 2 (EXT2). Also called: Hereditary Multiple Osteochondromatosis, Type II; EXOSTOSES, MULTIPLE, TYPE II. Identifiers: Orphanet 321, MedGen C1851413, MONDO:0007586, OMIM 133701.

Submission:

Labcorp Genetics (formerly Invitae), Labcorp
Classification: Pathogenic for Exostoses, multiple, type 2. Last evaluated: 2025-10-06. Review status: criteria provided, single submitter. Criteria: Invitae Variant Classification Sherloc (09022015). Collection method: clinical testing. Allele origin: germline.
Comment: This sequence change creates a premature translational stop signal (p.Gly225Argfs*10) in the EXT2 gene. It is expected to result in an absent or disrupted protein product. Loss-of-function variants in EXT2 are known to be pathogenic (PMID: 10679937, 19810120). This variant is not present in population databases (gnomAD no frequency). This variant has not been reported in the literature in individuals affected with EXT2-related conditions. For these reasons, this variant has been classified as Pathogenic.

Literature cited by the submitters: PubMed 10679937; PubMed 19810120.

NM_207122.2(EXT2):c.672dup (p.Gly225fs)

Gene: EXT2 (exostosin glycosyltransferase 2; plus strand). Cytogenetic location: 11p11.2.
Variant type: Duplication.
Coding change: c.672dup on transcript NM_207122.2 (MANE Select); coding-DNA position 672, one base duplicated (A; older notation c.672dupA).
Protein change: p.Gly225fs; shifts the reading frame from glycine 225.
Molecular consequence: frameshift variant.
Genome position (GRCh38, 1-based): chr11:44,114,230, A duplicated; the last of 2 consecutive A bases (chr11:44,114,229-44,114,230); duplicating either gives the same sequence. VCF-style (leftmost placement, unchanged base first): chr11-44114228-C-CA. GRCh37 (hg19) VCF-style: chr11-44135778-C-CA.
Other names: c.771dup, p.Gly258fs (NM_000401.3); c.672dup, p.Gly225fs (NM_001178083.3, NM_001389628.1, NM_001389630.1); short protein forms G225fs, G258fs.
Identifiers: ClinVar variation 4728569 (VCV004728569.1).